The following is an entry in ClinVar:

NM_182914.3(SYNE2):c.14844-5G>C

Gene: SYNE2 (spectrin repeat containing nuclear envelope protein 2; plus strand). Cytogenetic location: 14q23.2.
Variant type: single nucleotide variant.
Coding change: c.14844-5G>C on transcript NM_182914.3 (MANE Select); 5 bases into the intron before coding-DNA position 14844, G replaced by C.
Molecular consequence: intron variant.
Genome position (GRCh38, 1-based): chr14:64,139,936, G>C. VCF-style: chr14-64139936-G-C. GRCh37 (hg19) VCF-style: chr14-64606654-G-C.
Other names: c.14844-5G>C (NM_015180.6).
Identifiers: ClinVar variation 130478 (VCV000130478.19), dbSNP rs17825431, ClinGen allele CA155544.

ClinVar aggregate classification (germline): Benign. Review status: criteria provided, multiple submitters, no conflicts (2 of 4 stars). 5 submissions from 5 submitters: Benign (5). Last evaluated 2026-02-01.

Conditions:
Emery-Dreifuss muscular dystrophy 5, autosomal dominant (EDMD5). Also called: EMERY-DREIFUSS MUSCULAR DYSTROPHY 5. Identifiers: Orphanet 261, MedGen C2751805, MONDO:0013072, OMIM 612999.

Allele frequency attached by ClinVar (database versions not stated): ESP Exome Variant Server 0.07781; TOPMed 0.08365; 1000 Genomes Project 30x 0.10228; gnomAD 0.10335; 1000 Genomes Project 0.10423.
gnomAD v4.1: 166,357 of 1,613,276 alleles (10%); highest among the groups gnomAD compares: East Asian, 22%; 9,708 homozygotes.

Submissions (5):

Labcorp Genetics (formerly Invitae), Labcorp
Classification: Benign for Emery-Dreifuss muscular dystrophy 5, autosomal dominant. Last evaluated: 2026-02-01. Review status: criteria provided, single submitter. Criteria: Invitae Variant Classification Sherloc (09022015). Collection method: clinical testing. Allele origin: germline.

GeneDx
Classification: Benign. Last evaluated: 2018-07-09. Review status: criteria provided, single submitter. Criteria: GeneDx Variant Classification Process June 2021. Collection method: clinical testing. Allele origin: germline. Affected: yes.

Illumina Laboratory Services, Illumina
Classification: Benign for Emery-Dreifuss muscular dystrophy 5, autosomal dominant. Last evaluated: 2018-01-12. Review status: criteria provided, single submitter. Criteria: ICSL Variant Classification Criteria 13 December 2019. Collection method: clinical testing. Allele origin: germline.
Comment: This variant was observed in the ICSL laboratory as part of a predisposition screen in an ostensibly healthy population. It had not been previously curated by ICSL or reported in the Human Gene Mutation Database (HGMD: prior to June 1st, 2018), and was therefore a candidate for classification through an automated scoring system. Utilizing variant allele frequency, disease prevalence and penetrance estimates, and inheritance mode, an automated score was calculated to assess if this variant is too frequent to cause the disease. Based on the score and internal cut-off values, a variant classified as benign is not then subjected to further curation. The score for this variant resulted in a classification of benign for this disease.

Genetic Services Laboratory, University of Chicago
Classification: Benign for AllHighlyPenetrant. Last evaluated: 2013-08-15. Review status: criteria provided, single submitter. Criteria: ACMG Guidelines, 2007. Collection method: clinical testing. Allele origin: germline. Inheritance: Autosomal dominant inheritance.

Breakthrough Genomics
Classification: Benign. Review status: criteria provided, single submitter. Criteria: ACMG Guidelines, 2015. Collection method: not provided. Allele origin: germline. Inheritance: Autosomal dominant inheritance. Affected: yes.